The following is an entry in ClinVar:

ClinVar aggregate classification (germline): Uncertain significance (1 of 4 stars; one submission).

Conditions:
Nephronophthisis 16 (NPHP16). Identifiers: Orphanet 655, MedGen C3809320, MONDO:0014158, OMIM 615382.

Allele frequency attached by ClinVar (database versions not stated): gnomAD exomes below 0.00001; TOPMed 0.00001; ExAC 0.00002.
gnomAD v4.1: 14 of 1,557,960 alleles (0.0009%); highest among the groups gnomAD compares: East Asian, 0.0046%; no homozygotes.

Submission:

Labcorp Genetics (formerly Invitae), Labcorp
Classification: Uncertain significance for Nephronophthisis 16. Last evaluated: 2023-09-17. Review status: criteria provided, single submitter. Criteria: Invitae Variant Classification Sherloc (09022015). Collection method: clinical testing. Allele origin: germline.
Comment: In summary, the available evidence is currently insufficient to determine the role of this variant in disease. Therefore, it has been classified as a Variant of Uncertain Significance. An algorithm developed to predict the effect of missense changes on protein structure and function (PolyPhen-2) suggests that this variant is likely to be disruptive. This variant has not been reported in the literature in individuals affected with ANKS6-related conditions. This variant is present in population databases (rs769046492, gnomAD 0.001%). This sequence change replaces threonine, which is neutral and polar, with isoleucine, which is neutral and non-polar, at codon 726 of the ANKS6 protein (p.Thr726Ile).

NM_173551.5(ANKS6):c.2177C>T (p.Thr726Ile)

Gene: ANKS6 (ankyrin repeat and sterile alpha motif domain containing 6; minus strand). Cytogenetic location: 9q22.33.
Variant type: single nucleotide variant.
Coding change: c.2177C>T on transcript NM_173551.5 (MANE Select); coding-DNA position 2177, C replaced by T.
Protein change: p.Thr726Ile; replaces threonine 726 with isoleucine.
Molecular consequence: missense variant.
Genome position (GRCh38, 1-based): chr9:98,756,569, G>A on the plus strand (C>T on the coding strand, the complement: ANKS6 is on the minus strand). VCF-style: chr9-98756569-G-A. GRCh37 (hg19) VCF-style: chr9-101518851-G-A.
Other names: short protein forms T726I.
Identifiers: ClinVar variation 2828015 (VCV002828015.2), dbSNP rs769046492, ClinGen allele CA5153233.